The following is an entry in ClinVar:

ClinVar aggregate classification (germline): Pathogenic (1 of 4 stars; one submission).

Conditions:
Cystic fibrosis (CF). Also called: MUCOVISCIDOSIS. Identifiers: Orphanet 586, MedGen C0010674, MONDO:0009061, OMIM 219700. Disease mechanism: loss of function.

Submission:

Women's Health and Genetics/Laboratory Corporation of America, LabCorp
Classification: Pathogenic for Cystic fibrosis. Last evaluated: 2024-03-11. Review status: criteria provided, single submitter. Criteria: LabCorp Variant Classification Summary - May 2015. Collection method: clinical testing. Allele origin: germline.
Comment: Variant summary: CFTR c.4078_4079delGT (p.Val1360SerfsX3) results in a premature termination codon, predicted to cause a truncation of the encoded protein or absence of the protein due to nonsense mediated decay, which are commonly known mechanisms for disease. The variant was absent in 251266 control chromosomes. To our knowledge, no occurrence of c.4078_4079delGT in individuals affected with Cystic Fibrosis and no experimental evidence demonstrating its impact on protein function have been reported. No submitters have cited clinical-significance assessments for this variant to ClinVar. Based on the evidence outlined above, the variant was classified as pathogenic.

NM_000492.4(CFTR):c.4078_4079del (p.Val1360fs)

Gene: CFTR (CF transmembrane conductance regulator; plus strand). Cytogenetic location: 7q31.2.
Variant type: Deletion.
Coding change: c.4078_4079del on transcript NM_000492.4 (MANE Select); coding-DNA positions 4078 to 4079, 2 bases deleted (GT; older notation c.4078_4079delGT).
Protein change: p.Val1360fs; shifts the reading frame from valine 1360.
Molecular consequence: frameshift variant.
Genome position (GRCh38, 1-based): chr7:117,664,802-117,664,803, GT deleted; deleting any 2 consecutive bases within chr7:117,664,801-117,664,803 gives the same sequence; the c. name uses the placement nearest the transcript's 3' end. VCF-style (leftmost placement, unchanged base first): chr7-117664800-CTG-C. GRCh37 (hg19) VCF-style: chr7-117304854-CTG-C.
Other names: c.4078_4079delGT (NM_000492.4); short protein forms V1360fs.
Identifiers: ClinVar variation 3233530 (VCV003233530.2), dbSNP rs1183937142, ClinGen allele CA832122124.